The following is an entry in ClinVar:

NM_015141.4(GPD1L):c.13C>T (p.Pro5Ser)

Genes: GPD1L (glycerol-3-phosphate dehydrogenase 1 like; plus strand), LOC129936414 (ATAC-STARR-seq lymphoblastoid silent region 14165; plus strand). Cytogenetic location: 3p22.3.
Variant type: single nucleotide variant.
Coding change: c.13C>T on transcript NM_015141.4 (MANE Select); coding-DNA position 13, C replaced by T.
Protein change: p.Pro5Ser; replaces proline 5 with serine.
Molecular consequence: missense variant.
Genome position (GRCh38, 1-based): chr3:32,106,724, C>T. VCF-style: chr3-32106724-C-T. GRCh37 (hg19) VCF-style: chr3-32148216-C-T.
Other names: short protein forms P5S.
Identifiers: ClinVar variation 3631166 (VCV003631166.2).

ClinVar aggregate classification (germline): Uncertain significance (1 of 4 stars; one submission).

Conditions:
Brugada syndrome. Also called: Sudden unexpected nocturnal death syndrome; Sudden Unexplained Death Syndrome; Sudden Unexplained Nocturnal Death Syndrome (SUNDS); Sudden unexplained nocturnal death syndrome. Identifiers: Orphanet 130, MedGen C1142166, MONDO:0015263.

Submission:

Labcorp Genetics (formerly Invitae), Labcorp
Classification: Uncertain significance for Brugada syndrome. Last evaluated: 2024-10-06. Review status: criteria provided, single submitter. Criteria: Invitae Variant Classification Sherloc (09022015). Collection method: clinical testing. Allele origin: germline.
Comment: This sequence change replaces proline, which is neutral and non-polar, with serine, which is neutral and polar, at codon 5 of the GPD1L protein (p.Pro5Ser). The frequency data for this variant in the population databases is considered unreliable, as metrics indicate poor data quality at this position in the gnomAD database. This variant has not been reported in the literature in individuals affected with GPD1L-related conditions. An algorithm developed to predict the effect of missense changes on protein structure and function (PolyPhen-2) suggests that this variant is likely to be tolerated. In summary, the available evidence is currently insufficient to determine the role of this variant in disease. Therefore, it has been classified as a Variant of Uncertain Significance.